The following is an entry in ClinVar:

NM_000978.4(RPL23):c.394A>G (p.Ile132Val)

Gene: RPL23 (ribosomal protein L23; minus strand). Cytogenetic location: 17q12.
Variant type: single nucleotide variant.
Coding change: c.394A>G on transcript NM_000978.4 (MANE Select); coding-DNA position 394, A replaced by G.
Protein change: p.Ile132Val; replaces isoleucine 132 with valine.
Molecular consequence: missense variant.
Genome position (GRCh38, 1-based): chr17:38,850,161, T>C on the plus strand (A>G on the coding strand, the complement: RPL23 is on the minus strand). VCF-style: chr17-38850161-T-C. GRCh37 (hg19) VCF-style: chr17-37006414-T-C.
Other names: c.394A>G (NM_000978.3); short protein forms I132V.
Identifiers: ClinVar variation 1978113 (VCV001978113.6), dbSNP rs757771687, ClinGen allele CA8526472.
Genomic context (GRCh38, chr17:38,850,161, plus strand): 5'-TTTTTTTATTTTTTACAAATATACTGGAGAATCATGCAATGCTGCCAGCATTGGATGCAA[T>C]CCGGGGCCACAAGTCTGCACACTCCTTTGCTACTGGTCCTGTAATGGCAGAACCTGCATT-3'
Protein context (NP_000969.1, residues 122-140): AKECADLWPR[Ile132Val]ASNAGSIA

ClinVar aggregate classification (germline): Uncertain significance. Review status: criteria provided, multiple submitters, no conflicts (2 of 4 stars). 2 submissions from 2 submitters: Uncertain significance (2). Last evaluated 2024-11-14.

Allele frequency attached by ClinVar (database versions not stated): gnomAD exomes below 0.00001; ExAC 0.00001; gnomAD 0.00001; TOPMed 0.00001.
gnomAD v4.1: 2 of 1,606,766 alleles (0.00012%); highest among the groups gnomAD compares: Non-Finnish European, 0.00017%; no homozygotes.

Submissions (2):

Ambry Genetics
Classification: Uncertain significance. Last evaluated: 2024-11-14. Review status: criteria provided, single submitter. Criteria: Ambry Variant Classification Scheme 2023. Collection method: clinical testing. Allele origin: germline.

Labcorp Genetics (formerly Invitae), Labcorp
Classification: Uncertain significance. Last evaluated: 2022-08-25. Review status: criteria provided, single submitter. Criteria: Invitae Variant Classification Sherloc (09022015). Collection method: clinical testing. Allele origin: germline.
Comment: In summary, the available evidence is currently insufficient to determine the role of this variant in disease. Therefore, it has been classified as a Variant of Uncertain Significance. Algorithms developed to predict the effect of missense changes on protein structure and function (SIFT, PolyPhen-2, Align-GVGD) all suggest that this variant is likely to be tolerated. This variant has not been reported in the literature in individuals affected with RPL23-related conditions. This variant is present in population databases (rs757771687, gnomAD 0.0009%). This sequence change replaces isoleucine, which is neutral and non-polar, with valine, which is neutral and non-polar, at codon 132 of the RPL23 protein (p.Ile132Val).